The following is an entry in ClinVar:

ClinVar aggregate classification (germline): Conflicting classifications of pathogenicity. Review status: criteria provided, conflicting classifications (1 of 4 stars). 4 submissions from 4 submitters: Uncertain significance (1); Likely benign (2). 1 of the submissions does not count toward it. Last evaluated 2026-01-16.

Conditions:
FANCA-related disorder. Also called: FANCA-related condition.
Fanconi anemia (FA). Also called: Fanconi's anemia. Identifiers: Orphanet 84, MedGen C0015625, MeSH D005199, MONDO:0019391.
Fanconi anemia complementation group A (FANCA). Also called: FANCA-Related Fanconi Anemia; Fanconi anemia, group A. Identifiers: Orphanet 84, MedGen C3469521, MONDO:0009215, OMIM 227650.

Allele frequency attached by ClinVar (database versions not stated): gnomAD 0.00003; TOPMed 0.00004; ExAC 0.00014; gnomAD exomes 0.00015.
gnomAD v4.1: 46 of 1,614,028 alleles (0.0029%); highest among the groups gnomAD compares: Admixed American, 0.073%; no homozygotes.

Submissions (4):

PreventionGenetics, part of Exact Sciences
Classification: Uncertain significance for FANCA-related condition. Last evaluated: 2026-01-16. Review status: criteria provided, single submitter. Criteria: ACMG Guidelines, 2015. Collection method: clinical testing. Allele origin: germline.
Comment: The FANCA c.3297G>C variant is predicted to result in the amino acid substitution p.Gln1099His. This variant was reported as a single variant in a Fanconi anemia family; however, FANCA protein expression was similar to wild-type in a patient-derived cell line, and the p.Gln1099His substitution was considered likely non-pathogenic based on a functional assay (Kimble et al. 2018. PubMed ID: 29098742). This variant is reported in 0.11% of alleles in individuals of Latino descent in gnomAD, which may be too common to be a primary cause of disease. This variant has conflicting interpretations in ClinVar including uncertain and likely benign (Variation ID: 408181). Although we suspect that this variant may be benign, at this time, the clinical significance of this variant is uncertain due to the absence of conclusive functional and genetic evidence.

Labcorp Genetics (formerly Invitae), Labcorp
Classification: Likely benign for Fanconi anemia. Last evaluated: 2026-01-05. Review status: criteria provided, single submitter. Criteria: Invitae Variant Classification Sherloc (09022015). Collection method: clinical testing. Allele origin: germline.

Quest Diagnostics Nichols Institute San Juan Capistrano
Classification: Likely benign. Last evaluated: 2024-12-03. Review status: criteria provided, single submitter. Criteria: Quest Diagnostics criteria. Collection method: clinical testing. Allele origin: unknown.

Natera, Inc.
Classification: Uncertain significance for Fanconi anemia, group A. Last evaluated: 2020-09-16. Review status: no assertion criteria provided. Collection method: clinical testing. Allele origin: germline. Not counted in ClinVar's aggregate classification.

Literature cited by the submitters: PubMed 29098742 (cited by Quest Diagnostics Nichols Institute San Juan Capistrano).

NM_000135.4(FANCA):c.3297G>C (p.Gln1099His)

Gene: FANCA (FA complementation group A; minus strand). Cytogenetic location: 16q24.3.
Variant type: single nucleotide variant.
Coding change: c.3297G>C on transcript NM_000135.4 (MANE Select); coding-DNA position 3297, G replaced by C.
Protein change: p.Gln1099His; replaces glutamine 1099 with histidine.
Molecular consequence: missense variant.
Genome position (GRCh38, 1-based): chr16:89,748,710, C>G on the plus strand (G>C on the coding strand, the complement: FANCA is on the minus strand). VCF-style: chr16-89748710-C-G. GRCh37 (hg19) VCF-style: chr16-89815118-C-G.
Other names: c.3297G>C (LRG_495t1, NM_000135.3); c.3297G>C, p.Gln1099His (NM_001286167.3); short protein forms Q1099H.
Identifiers: ClinVar variation 408181 (VCV000408181.15), dbSNP rs779268656, ClinGen allele CA8251239.